The following is an entry in ClinVar:

ClinVar aggregate classification (germline): Benign/Likely benign. Review status: criteria provided, multiple submitters, no conflicts (2 of 4 stars). 13 submissions from 13 submitters: Benign (4); Likely benign (4). 5 of the submissions do not count toward it. Last evaluated 2026-09-01.

Conditions:
Glucose-6-phosphate transport defect (GSD1B). Also called: GSD Ib; Glycogen Storage Disease Type Ib. Identifiers: Orphanet 364, Orphanet 79259, MedGen C0268146, MONDO:0009288, OMIM 232220.

Allele frequency attached by ClinVar (database versions not stated): 1000 Genomes Project 0.00240; 1000 Genomes Project 30x 0.00250; gnomAD 0.00280; TOPMed 0.00384; ESP Exome Variant Server 0.00453.

Submissions (13):

CeGaT Center for Human Genetics Tuebingen
Classification: Likely benign. Last evaluated: 2026-09-01. Review status: criteria provided, single submitter. Criteria: CeGaT Center For Human Genetics Tuebingen Variant Classification Criteria Version 2. Collection method: clinical testing. Allele origin: germline. Affected: yes. Observed: 10 variant alleles.
Comment: SLC37A4: BS2

Labcorp Genetics (formerly Invitae), Labcorp
Classification: Benign for Glucose-6-phosphate transport defect. Last evaluated: 2026-02-02. Review status: criteria provided, single submitter. Criteria: Invitae Variant Classification Sherloc (09022015). Collection method: clinical testing. Allele origin: germline.

Blueprint Genetics
Classification: Likely benign. Last evaluated: 2024-11-27. Review status: criteria provided, single submitter. Criteria: ACMG Guidelines, 2015. Collection method: clinical testing. Allele origin: germline.

ARUP Laboratories, Molecular Genetics and Genomics, ARUP Laboratories
Classification: Benign. Last evaluated: 2023-10-09. Review status: criteria provided, single submitter. Criteria: ARUP Molecular Germline Variant Investigation Process 2024. Collection method: clinical testing. Allele origin: germline.

Eurofins Ntd Llc (ga)
Classification: Likely benign. Last evaluated: 2017-02-02. Review status: criteria provided, single submitter. Criteria: EGL Classification Definitions 2015. Collection method: clinical testing. Allele origin: germline. Observed: 4 variant alleles, 4 heterozygotes.

Women's Health and Genetics/Laboratory Corporation of America, LabCorp
Classification: Benign. Last evaluated: 2016-04-19. Review status: criteria provided, single submitter. Criteria: LabCorp Variant Classification Summary - May 2015. Collection method: clinical testing. Allele origin: germline.
Comment: Variant summary:The c.593A>T in SLC37A4 gene is a missense change that alters a conserved nucleotide and 2/4 in silico tools predict benign outcome. The variant was observed in the large and broad cohorts of the ExAC project at an allele frequency of 0.36% exclusively in individuals of European descent (0.53%), including 2 homozygous occurrences. This frequency exceeds the maximal expected allele frequency for a pathogenic variant in SLC37A4 gene (0.12%). The variant of interest has been reported in three GSD1b patients (Zappu_2010) who also carried a splice-site mutation in homozygous state, strongly suggesting for benign outcome. In functional studies the variant had normal G6P transport activity (Chen, 2010). In addition, the variant has been reported as Benign/Polymorphism by a clinical laboratory and published reports (Zappu, 2010) Taking together, the variant has been classified as Benign.

GeneDx
Classification: Benign. Last evaluated: 2013-10-29. Review status: criteria provided, single submitter. Criteria: GeneDx Variant Classification (06012015). Collection method: clinical testing. Allele origin: germline. Affected: yes.
Comment: This variant is considered likely benign or benign based on one or more of the following criteria: it is a conservative change, it occurs at a poorly conserved position in the protein, it is predicted to be benign by multiple in silico algorithms, and/or has population frequency not consistent with disease.

Breakthrough Genomics
Classification: Likely benign. Review status: criteria provided, single submitter. Criteria: ACMG Guidelines, 2015. Collection method: not provided. Allele origin: germline. Inheritance: Autosomal recessive inheritance. Affected: yes.

Natera, Inc.
Classification: Benign for Glycogen storage disease type Ib. Last evaluated: 2020-04-16. Review status: no assertion criteria provided. Collection method: clinical testing. Allele origin: germline. Not counted in ClinVar's aggregate classification.

Clinical Genetics DNA and cytogenetics Diagnostics Lab, Erasmus MC, Erasmus Medical Center
Classification: Likely benign. Review status: no assertion criteria provided. Collection method: clinical testing. Allele origin: germline. Affected: yes. Study: VKGL Data-share Consensus. Not counted in ClinVar's aggregate classification.

Diagnostic Laboratory, Department of Genetics, University Medical Center Groningen
Classification: Likely benign. Review status: no assertion criteria provided. Collection method: clinical testing. Allele origin: germline. Affected: yes. Study: VKGL Data-share Consensus. Not counted in ClinVar's aggregate classification.

Genome Diagnostics Laboratory, University Medical Center Utrecht
Classification: Likely benign. Review status: no assertion criteria provided. Collection method: clinical testing. Allele origin: germline. Affected: yes. Study: VKGL Data-share Consensus. Not counted in ClinVar's aggregate classification.

Laboratory of Diagnostic Genome Analysis, Leiden University Medical Center (LUMC)
Classification: Likely benign. Review status: no assertion criteria provided. Collection method: clinical testing. Allele origin: germline. Affected: yes. Study: VKGL Data-share Consensus. Not counted in ClinVar's aggregate classification.

Literature cited by the submitters: PubMed 20578944 (cited by Women's Health and Genetics/Laboratory Corporation of America, LabCorp); PubMed 10940311 (cited by Women's Health and Genetics/Laboratory Corporation of America, LabCorp).

NM_001164277.2(SLC37A4):c.593A>T (p.Asn198Ile)

Gene: SLC37A4 (solute carrier family 37 member 4; minus strand). Cytogenetic location: 11q23.3.
Variant type: single nucleotide variant.
Coding change: c.593A>T on transcript NM_001164277.2 (MANE Select); coding-DNA position 593, A replaced by T.
Protein change: p.Asn198Ile; replaces asparagine 198 with isoleucine.
Molecular consequence: missense variant.
Genome position (GRCh38, 1-based): chr11:119,027,660, T>A on the plus strand (A>T on the coding strand, the complement: SLC37A4 is on the minus strand). VCF-style: chr11-119027660-T-A. GRCh37 (hg19) VCF-style: chr11-118898370-T-A.
Other names: p.N198I:AAC>ATC; c.593A>T, p.Asn198Ile (NM_001164278.2, NM_001164280.2, NM_001467.6); c.374A>T, p.Asn125Ile (NM_001164279.2); short protein forms N198I, N125I.
Identifiers: ClinVar variation 139188 (VCV000139188.49), dbSNP rs34203644, ClinGen allele CA293573.
Genomic context (GRCh38, chr11:119,027,660, plus strand): 5'-CCAGTGGTCGGTCTGGGTGGGGGCTCACCCTTCTTGCCCTCAGAGGGCATGGGGTCCAGG[T>A]TGCGGAGTCCAACATCAGCAGGTTCATTGTGGATGAGCAGGAGACAGAGGAAGGAGACAA-3'
Protein context (NP_001157749.1, residues 188-208): HNEPADVGLR[Asn198Ile]LDPMPSEGKK